The following is an entry in ClinVar:

ClinVar aggregate classification (germline): Pathogenic (1 of 4 stars; one submission).

Conditions:
Neurofibromatosis, type 1 (NF1). Also called: Peripheral type neurofibromatosis; VON RECKLINGHAUSEN DISEASE; NEUROFIBROMATOSIS, TYPE I, SOMATIC; Neurofibromatosis, type I. Identifiers: Orphanet 636, MedGen C0027831, MONDO:0018975, OMIM 162200. Disease mechanism: loss of function.

Submission:

Labcorp Genetics (formerly Invitae), Labcorp
Classification: Pathogenic for Neurofibromatosis, type 1. Last evaluated: 2024-07-30. Review status: criteria provided, single submitter. Criteria: Invitae Variant Classification Sherloc (09022015). Collection method: clinical testing. Allele origin: germline.
Comment: This sequence change creates a premature translational stop signal (p.Ile1804Serfs*36) in the NF1 gene. It is expected to result in an absent or disrupted protein product. Loss-of-function variants in NF1 are known to be pathogenic (PMID: 10712197, 23913538). This variant is not present in population databases (gnomAD no frequency). This variant has not been reported in the literature in individuals affected with NF1-related conditions. For these reasons, this variant has been classified as Pathogenic.

Literature cited by the submitters: PubMed 10712197; PubMed 23913538.

NM_001042492.3(NF1):c.5473_5474del (p.Ile1825fs)

Gene: NF1 (neurofibromin 1; plus strand). Cytogenetic location: 17q11.2.
Variant type: Deletion.
Coding change: c.5473_5474del on transcript NM_001042492.3 (MANE Select); coding-DNA positions 5473 to 5474, 2 bases deleted (AT; older notation c.5473_5474delAT).
Protein change: p.Ile1825fs; shifts the reading frame from isoleucine 1825.
Molecular consequence: frameshift variant.
Genome position (GRCh38, 1-based): chr17:31,327,703-31,327,704, AT deleted. VCF-style (leftmost placement, unchanged base first): chr17-31327702-CAT-C. GRCh37 (hg19) VCF-style: chr17-29654720-CAT-C.
Other names: c.5410_5411delAT, p.Ile1804Serfs (NM_000267.4); short protein forms I1825fs, I1804fs.
Identifiers: ClinVar variation 3660910 (VCV003660910.2).
Genomic context (GRCh38, chr17:31,327,702, plus strand): 5'-AAACCAGGGCACGCCGCTCACCTTCATGCACCAGGAGTGTGAAGCCATTGTCCAGTCTAT[CAT>C]TCATATCCGGACCCGCTGGGAACTGTCACAGCCCGACTCTATCCCCCAACACACCAAGAT-3'